The following is an entry in ClinVar:

ClinVar aggregate classification (germline): Benign (0 of 4 stars; one submission).

Conditions:
KCNQ1-related disorder. Also called: KCNQ1-related condition; KCNQ1-related disorders. Identifiers: MedGen CN239322.

Allele frequency attached by ClinVar (database versions not stated): gnomAD exomes 0.00150; gnomAD 0.01424; TOPMed 0.01578; 1000 Genomes Project 0.01597; 1000 Genomes Project 30x 0.01796.
gnomAD v4.1: 2,546 of 398,614 alleles (0.64%); highest among the groups gnomAD compares: African/African-American, 4.8%; 52 homozygotes.

Submission:

PreventionGenetics, part of Exact Sciences
Classification: Benign for KCNQ1-related condition. Last evaluated: 2019-03-15. Review status: no assertion criteria provided. Collection method: clinical testing. Allele origin: germline.
Comment: This variant is classified as benign based on ACMG/AMP sequence variant interpretation guidelines (Richards et al. 2015 PMID: 25741868, with internal and published modifications).

NM_000218.3(KCNQ1):c.1514+4000A>G

Genes: KCNQ1 (potassium voltage-gated channel subfamily Q member 1; plus strand), KCNQ1OT1 (KCNQ1 opposite strand/antisense transcript 1; minus strand). Cytogenetic location: 11p15.5.
Variant type: single nucleotide variant.
Coding change: c.1514+4000A>G on transcript NM_000218.3 (MANE Select); 4000 bases into the intron after coding-DNA position 1514, A replaced by G.
Molecular consequence: intron variant. On other transcripts: non-coding transcript variant (1).
Genome position (GRCh38, 1-based): chr11:2,666,081, A>G. VCF-style: chr11-2666081-A-G. GRCh37 (hg19) VCF-style: chr11-2687311-A-G.
Other names: c.1244+4000A>G (NM_001406837.1); c.1418+4000A>G (NM_001406836.1); c.974+4000A>G (NM_001406838.1); c.1133+4000A>G (NM_181798.2).
Identifiers: ClinVar variation 3038658 (VCV003038658.2), dbSNP rs58335309, ClinGen allele CA216174505.